The following is an entry in ClinVar:

ClinVar aggregate classification (germline): Uncertain significance (1 of 4 stars; one submission).

Allele frequency attached by ClinVar (database versions not stated): gnomAD exomes below 0.00001.
gnomAD v4.1: 4 of 1,613,962 alleles (0.00025%); highest among the groups gnomAD compares: Non-Finnish European, 0.00034%; no homozygotes.

Submission:

GeneDx
Classification: Uncertain significance. Last evaluated: 2023-04-07. Review status: criteria provided, single submitter. Criteria: GeneDx Variant Classification Process June 2021. Collection method: clinical testing. Allele origin: germline. Affected: yes.
Comment: Has not been previously published as pathogenic or benign to our knowledge; Not observed at significant frequency in large population cohorts (gnomAD); In silico analysis supports that this missense variant does not alter protein structure/function

NM_017636.4(TRPM4):c.3407G>A (p.Arg1136His)

Gene: TRPM4 (transient receptor potential cation channel subfamily M member 4; plus strand). Cytogenetic location: 19q13.33.
Variant type: single nucleotide variant.
Coding change: c.3407G>A on transcript NM_017636.4 (MANE Select); coding-DNA position 3407, G replaced by A.
Protein change: p.Arg1136His; replaces arginine 1136 with histidine.
Molecular consequence: missense variant.
Genome position (GRCh38, 1-based): chr19:49,210,788, G>A. VCF-style: chr19-49210788-G-A. GRCh37 (hg19) VCF-style: chr19-49714045-G-A.
Other names: c.2972G>A, p.Arg991His (NM_001195227.2); c.3062G>A, p.Arg1021His (NM_001321281.2); c.1799G>A, p.Arg600His (NM_001321282.2); c.2885G>A, p.Arg962His (NM_001321283.2); c.2345G>A, p.Arg782His (NM_001321285.2); short protein forms R1021H, R1136H, R600H, R782H, R962H, R991H.
Identifiers: ClinVar variation 2663309 (VCV002663309.1), dbSNP rs2514242481, ClinGen allele CA406773141.